The following is an entry in ClinVar:

ClinVar aggregate classification (germline): Uncertain significance. Review status: criteria provided, multiple submitters, no conflicts (2 of 4 stars). 4 submissions from 4 submitters: Uncertain significance (4). Last evaluated 2025-12-22.

Conditions:
Diamond-Blackfan anemia 12 (DBA12). Also called: RPL15-Related Diamond-Blackfan Anemia. Identifiers: Orphanet 124, MedGen C3809888, MONDO:0014245, OMIM 615550.

Allele frequency attached by ClinVar (database versions not stated): gnomAD exomes 0.00004 and 0.00001; TOPMed 0.00012; gnomAD 0.00013 and 0.00011; 1000 Genomes Project 0.00020; ExAC 0.00005; ESP Exome Variant Server 0.00008; 1000 Genomes Project 30x 0.00016.
gnomAD v4.1: 35 of 1,603,962 alleles (0.0022%); highest among the groups gnomAD compares: African/African-American, 0.044%; no homozygotes.

Submissions (4):

Ambry Genetics
Classification: Uncertain significance. Last evaluated: 2025-12-22. Review status: criteria provided, single submitter. Criteria: Ambry Variant Classification Scheme 2023. Collection method: clinical testing. Allele origin: germline.

Fulgent Genetics
Classification: Uncertain significance for Diamond-Blackfan anemia 12. Last evaluated: 2024-03-20. Review status: criteria provided, single submitter. Criteria: ACMG Guidelines, 2015. Collection method: clinical testing. Allele origin: germline.

Labcorp Genetics (formerly Invitae), Labcorp
Classification: Uncertain significance. Last evaluated: 2022-04-05. Review status: criteria provided, single submitter. Criteria: Invitae Variant Classification Sherloc (09022015). Collection method: clinical testing. Allele origin: germline.
Comment: This sequence change replaces arginine, which is basic and polar, with histidine, which is basic and polar, at codon 188 of the RPL15 protein (p.Arg188His). In summary, the available evidence is currently insufficient to determine the role of this variant in disease. Therefore, it has been classified as a Variant of Uncertain Significance. Algorithms developed to predict the effect of missense changes on protein structure and function are either unavailable or do not agree on the potential impact of this missense change (SIFT: "Deleterious"; PolyPhen-2: "Benign"; Align-GVGD: "Class C0"). ClinVar contains an entry for this variant (Variation ID: 1337815). This variant has not been reported in the literature in individuals affected with RPL15-related conditions. This variant is present in population databases (rs376990079, gnomAD 0.06%), and has an allele count higher than expected for a pathogenic variant.

Genetic Services Laboratory, University of Chicago
Classification: Uncertain significance. Last evaluated: 2021-01-20. Review status: criteria provided, single submitter. Criteria: ACMG Guidelines, 2015. Collection method: clinical testing. Allele origin: germline. Affected: no.

NM_002948.5(RPL15):c.563G>A (p.Arg188His)

Genes: NKIRAS1 (NFKB inhibitor interacting Ras like 1; minus strand), RPL15 (ribosomal protein L15; plus strand). Cytogenetic location: 3p24.2.
Variant type: single nucleotide variant.
Coding change: c.563G>A on transcript NM_002948.5 (MANE Select); coding-DNA position 563, G replaced by A.
Protein change: p.Arg188His; replaces arginine 188 with histidine.
Molecular consequence: missense variant. On other transcripts: intron variant (2).
Genome position (GRCh38, 1-based): chr3:23,919,449, G>A. VCF-style: chr3-23919449-G-A. GRCh37 (hg19) VCF-style: chr3-23960940-G-A.
Other names: c.563G>A, p.Arg188His (NM_001253379.2, NM_001253380.2, NM_001253382.2 and 1 more transcripts); c.-139-7999C>T (NM_001377380.1); c.360+203G>A (NM_001253384.2); c.563G>A (NM_002948.2); short protein forms R188H.
Identifiers: ClinVar variation 1337815 (VCV001337815.11), dbSNP rs376990079, ClinGen allele CA2286539.